The following is an entry in ClinVar:

ClinVar aggregate classification (germline): Uncertain significance. Review status: criteria provided, multiple submitters, no conflicts (2 of 4 stars). 3 submissions from 3 submitters: Uncertain significance (3). Last evaluated 2025-07-22.

Conditions:
Inborn genetic diseases. Identifiers: MedGen C0950123, MeSH D030342.
Ceroid lipofuscinosis, neuronal, 6B (Kufs type). Also called: Neuronal ceroid lipofuscinosis 4A. Identifiers: Orphanet 700477, MedGen C5561927, MONDO:0008768, OMIM 204300.
Ceroid lipofuscinosis, neuronal, 6A. Also called: CLN6-Related Neuronal Ceroid-Lipofuscinosis; Neuronal ceroid lipofuscinosis, late infantile, variant; Neuronal ceroid lipofuscinosis, Gypsy/Indian early juvenile variant; Neuronal ceroid lipofuscinosis 6. Identifiers: Orphanet 168491, Orphanet 228363, MedGen C5551375, MONDO:0011144, OMIM 601780.
Neuronal ceroid lipofuscinosis. Also called: Neuronal Ceroid Lipofuscinoses. Identifiers: Orphanet 216, Orphanet 79263, MedGen C0027877, MONDO:0016295. Disease mechanism: loss of function.

Allele frequency attached by ClinVar (database versions not stated): gnomAD 0.00004; gnomAD exomes 0.00004 and 0.00005; ExAC 0.00006; TOPMed 0.00006; ESP Exome Variant Server 0.00023.
gnomAD v4.1: 68 of 1,614,016 alleles (0.0042%); highest among the groups gnomAD compares: Admixed American, 0.0067%; no homozygotes.

Submissions (3):

Ambry Genetics
Classification: Uncertain significance for Inborn genetic diseases. Last evaluated: 2025-07-22. Review status: criteria provided, single submitter. Criteria: Ambry Variant Classification Scheme 2023. Collection method: clinical testing. Allele origin: germline.

Labcorp Genetics (formerly Invitae), Labcorp
Classification: Uncertain significance for Neuronal ceroid lipofuscinosis. Last evaluated: 2022-09-07. Review status: criteria provided, single submitter. Criteria: Invitae Variant Classification Sherloc (09022015). Collection method: clinical testing. Allele origin: germline.
Comment: This sequence change replaces arginine, which is basic and polar, with cysteine, which is neutral and slightly polar, at codon 252 of the CLN6 protein (p.Arg252Cys). This variant is present in population databases (rs145746878, gnomAD 0.01%). This variant has not been reported in the literature in individuals affected with CLN6-related conditions. ClinVar contains an entry for this variant (Variation ID: 457976). Algorithms developed to predict the effect of missense changes on protein structure and function output the following: SIFT: "Tolerated"; PolyPhen-2: "Benign"; Align-GVGD: "Class C0". The cysteine amino acid residue is found in multiple mammalian species, which suggests that this missense change does not adversely affect protein function. In summary, the available evidence is currently insufficient to determine the role of this variant in disease. Therefore, it has been classified as a Variant of Uncertain Significance.

Fulgent Genetics
Classification: Uncertain significance for Ceroid lipofuscinosis, neuronal, 6B (Kufs type); Ceroid lipofuscinosis, neuronal, 6A. Last evaluated: 2021-08-23. Review status: criteria provided, single submitter. Criteria: ACMG Guidelines, 2015. Collection method: clinical testing. Allele origin: unknown.

NM_017882.3(CLN6):c.754C>T (p.Arg252Cys)

Gene: CLN6 (CLN6 transmembrane ER protein; minus strand). Cytogenetic location: 15q23.
Variant type: single nucleotide variant.
Coding change: c.754C>T on transcript NM_017882.3 (MANE Select); coding-DNA position 754, C replaced by T.
Protein change: p.Arg252Cys; replaces arginine 252 with cysteine.
Molecular consequence: missense variant.
Genome position (GRCh38, 1-based): chr15:68,208,322, G>A on the plus strand (C>T on the coding strand, the complement: CLN6 is on the minus strand). VCF-style: chr15-68208322-G-A. GRCh37 (hg19) VCF-style: chr15-68500660-G-A.
Other names: short protein forms R252C.
Identifiers: ClinVar variation 457976 (VCV000457976.9), dbSNP rs145746878, ClinGen allele CA7630476.